The following is an entry in ClinVar:

ClinVar aggregate classification (germline): Uncertain significance (1 of 4 stars; one submission).

Submission:

GeneDx
Classification: Uncertain significance. Last evaluated: 2025-07-30. Review status: criteria provided, single submitter. Criteria: GeneDx Variant Classification Process June 2021. Collection method: clinical testing. Allele origin: germline. Affected: yes.
Comment: Frameshift variant predicted to result in protein truncation or nonsense mediated decay in a gene for which loss of function is a known mechanism of disease; Has not been previously published as pathogenic or benign to our knowledge

NM_001164508.2(NEB):c.13094del (p.Gly4365fs)

Gene: NEB (nebulin; minus strand). Cytogenetic location: 2q23.3.
Variant type: Deletion.
Coding change: c.13094del on transcript NM_001164508.2 (MANE Select); coding-DNA position 13094, one base deleted (G; older notation c.13094delG).
Protein change: p.Gly4365fs; shifts the reading frame from glycine 4365.
Molecular consequence: frameshift variant. On other transcripts: intron variant (1).
Genome position (GRCh38, 1-based): chr2:151,603,738, C deleted on the plus strand (G on the coding strand, the reverse complement: NEB is on the minus strand); the first of 3 consecutive C bases (chr2:151,603,738-151,603,740); deleting any one gives the same sequence. VCF-style (leftmost placement, unchanged base first): chr2-151603737-AC-A. GRCh37 (hg19) VCF-style: chr2-152460251-AC-A.
Other names: c.13094del, p.Gly4365fs (NM_001164507.2, NM_001271208.2); c.13092delG, p.Gly4365Valfs (NM_001271208.1); c.11601+6071del (NM_004543.5); short protein forms G4365fs.
Identifiers: ClinVar variation 4690150 (VCV004690150.1).